The following is an entry in ClinVar:

ClinVar aggregate classification (germline): Pathogenic/Likely pathogenic. Review status: criteria provided, multiple submitters, no conflicts (2 of 4 stars). 2 submissions from 2 submitters: Pathogenic (1); Likely pathogenic (1). Last evaluated 2026-06-26.

Conditions:
Bardet-Biedl syndrome 7 (BBS7). Identifiers: Orphanet 110, MedGen C1859565, MONDO:0014435, OMIM 615984.

Submissions (2):

Women's Health and Genetics/Laboratory Corporation of America, LabCorp
Classification: Pathogenic for Bardet-Biedl syndrome 7. Last evaluated: 2026-06-26. Review status: criteria provided, single submitter. Criteria: LabCorp Variant Classification Summary - May 2015. Collection method: clinical testing. Allele origin: germline.
Comment: Variant summary: BBS7 c.1845C>G (p.Tyr615X) results in a premature termination codon, predicted to cause a truncation of the encoded protein or absence of the protein due to nonsense mediated decay, which are commonly known mechanisms for disease. The variant was absent in 251302 control chromosomes. To our knowledge, no occurrence of c.1845C>G in individuals affected with BBS7-related conditions and no experimental evidence demonstrating its impact on protein function have been reported. ClinVar contains an entry for this variant (Variation ID: 3589790). Based on the evidence outlined above, the variant was classified as pathogenic.

Fulgent Genetics
Classification: Likely pathogenic for Bardet-Biedl syndrome 7. Last evaluated: 2024-03-02. Review status: criteria provided, single submitter. Criteria: ACMG Guidelines, 2015. Collection method: clinical testing. Allele origin: germline.

NM_176824.3(BBS7):c.1845C>G (p.Tyr615Ter)

Gene: BBS7 (Bardet-Biedl syndrome 7; minus strand). Cytogenetic location: 4q27.
Variant type: single nucleotide variant.
Coding change: c.1845C>G on transcript NM_176824.3 (MANE Select); coding-DNA position 1845, C replaced by G.
Protein change: p.Tyr615Ter; replaces tyrosine 615 with a stop codon.
Molecular consequence: nonsense.
Genome position (GRCh38, 1-based): chr4:121,828,447, G>C on the plus strand (C>G on the coding strand, the complement: BBS7 is on the minus strand). VCF-style: chr4-121828447-G-C. GRCh37 (hg19) VCF-style: chr4-122749602-G-C.
Other names: c.1845C>G, p.Tyr615Ter (NM_018190.4); short protein forms Y615*.
Identifiers: ClinVar variation 3589790 (VCV003589790.2).